The following is an entry in ClinVar:

ClinVar aggregate classification (germline): Pathogenic (1 of 4 stars; one submission).

Conditions:
Developmental and epileptic encephalopathy, 12 (DEE12). Identifiers: MedGen C3150988, MONDO:0013389, OMIM 613722.

Submission:

Labcorp Genetics (formerly Invitae), Labcorp
Classification: Pathogenic for Developmental and epileptic encephalopathy, 12. Last evaluated: 2025-10-27. Review status: criteria provided, single submitter. Criteria: Invitae Variant Classification Sherloc (09022015). Collection method: clinical testing. Allele origin: germline.
Comment: This sequence change creates a premature translational stop signal (p.His100Profs*30) in the PNKP gene. It is expected to result in an absent or disrupted protein product. Loss-of-function variants in PNKP are known to be pathogenic (PMID: 20118933, 25728773). This variant is not present in population databases (gnomAD no frequency). This variant has not been reported in the literature in individuals affected with PNKP-related conditions. ClinVar contains an entry for this variant (Variation ID: 1955429). Algorithms developed to predict the effect of sequence changes on RNA splicing suggest that this variant may disrupt the consensus splice site. For these reasons, this variant has been classified as Pathogenic.

Literature cited by the submitters: PubMed 20118933; PubMed 25728773.

NM_007254.4(PNKP):c.298dup (p.His100fs)

Gene: PNKP (polynucleotide kinase 3'-phosphatase; minus strand). Cytogenetic location: 19q13.33.
Variant type: Duplication.
Coding change: c.298dup on transcript NM_007254.4 (MANE Select); coding-DNA position 298, one base duplicated (C; older notation c.298dupC).
Protein change: p.His100fs; shifts the reading frame from histidine 100.
Molecular consequence: frameshift variant.
Genome position (GRCh38, 1-based): chr19:49,865,327, G duplicated on the plus strand (C on the coding strand, the reverse complement: PNKP is on the minus strand); the first of 2 consecutive G bases (chr19:49,865,327-49,865,328); duplicating either gives the same sequence. VCF-style (leftmost placement, unchanged base first): chr19-49865326-T-TG. GRCh37 (hg19) VCF-style: chr19-50368583-T-TG.
Other names: short protein forms H100fs.
Identifiers: ClinVar variation 1955429 (VCV001955429.5), dbSNP rs2074810318, ClinGen allele CA2340624675.
Genomic context (GRCh38, chr19:49,865,326, plus strand): 5'-GGCGGAGTATCTGGCTGGGATTCTGGTGTGCGGGTCTCTTCCCAGCGCAGGGTCAGTGGG[T>TG]GGAGGCCATTGACCAAATACAGTGTGTCCCCCACCCCCAGAGAGCCCTCCAACCCCGGCT-3'